The following is an entry in ClinVar:

NM_033026.6(PCLO):c.13528+4A>G

Gene: PCLO (piccolo presynaptic cytomatrix protein; minus strand). Cytogenetic location: 7q21.11.
Variant type: single nucleotide variant.
Coding change: c.13528+4A>G on transcript NM_033026.6 (MANE Select); 4 bases into the intron after coding-DNA position 13528, A replaced by G.
Molecular consequence: intron variant.
Genome position (GRCh38, 1-based): chr7:82,902,647, T>C on the plus strand (A>G on the coding strand, the complement: PCLO is on the minus strand). VCF-style: chr7-82902647-T-C. GRCh37 (hg19) VCF-style: chr7-82531963-T-C.
Other names: c.13528+4A>G (NM_014510.3).
Identifiers: ClinVar variation 1411168 (VCV001411168.6), dbSNP rs753269681, ClinGen allele CA4319138.
Genomic context (GRCh38, chr7:82,902,647, plus strand): 5'-TGCAAAACAAAACAAAACAAAACAAAAAAACAAAAAAAATATTAGATTATATGATTTGCT[T>C]TACCTGAAACTGTGTGATCCTTTGAGTCTCTTGTTATTTTTATCCTTGCGTGAGGAAAGA-3'

ClinVar aggregate classification (germline): Uncertain significance (1 of 4 stars; one submission).

Allele frequency attached by ClinVar (database versions not stated): gnomAD exomes below 0.00001; ExAC 0.00001.
gnomAD v4.1: 3 of 1,525,478 alleles (0.0002%); highest among the groups gnomAD compares: Non-Finnish European, 0.00027%; no homozygotes.

Submission:

Labcorp Genetics (formerly Invitae), Labcorp
Classification: Uncertain significance. Last evaluated: 2021-03-22. Review status: criteria provided, single submitter. Criteria: Invitae Variant Classification Sherloc (09022015). Collection method: clinical testing. Allele origin: germline.
Comment: In summary, the available evidence is currently insufficient to determine the role of this variant in disease. Therefore, it has been classified as a Variant of Uncertain Significance. Nucleotide substitutions within the consensus splice site are a relatively common cause of aberrant splicing (PMID: 17576681, 9536098). Algorithms developed to predict the effect of sequence changes on RNA splicing suggest that this variant may disrupt the consensus splice site, but this prediction has not been confirmed by published transcriptional studies. This variant has not been reported in the literature in individuals with PCLO-related conditions. This variant is present in population databases (rs753269681, ExAC 0.002%). This sequence change falls in intron 9 of the PCLO gene. It does not directly change the encoded amino acid sequence of the PCLO protein. It affects a nucleotide within the consensus splice site of the intron.

Literature cited by the submitters: PubMed 17576681; PubMed 9536098.